The following is an entry in ClinVar:

ClinVar aggregate classification (germline): Benign (1 of 4 stars; one submission).

Allele frequency attached by ClinVar (database versions not stated): 1000 Genomes Project 0.43251; 1000 Genomes Project 30x 0.43442; TOPMed 0.45761; gnomAD 0.46578 and 0.46997.
gnomAD v4.1: 70,872 of 152,018 alleles (47%); highest among the groups gnomAD compares: Non-Finnish European, 47%; 16,788 homozygotes.

Submission:

GeneDx
Classification: Benign. Last evaluated: 2018-06-14. Review status: criteria provided, single submitter. Criteria: GeneDx Variant Classification (06012015). Collection method: clinical testing. Allele origin: germline. Affected: yes.
Comment: This variant is considered likely benign or benign based on one or more of the following criteria: it is a conservative change, it occurs at a poorly conserved position in the protein, it is predicted to be benign by multiple in silico algorithms, and/or has population frequency not consistent with disease.

NM_130837.3(OPA1):c.1609-179G>A

Gene: OPA1 (OPA1 mitochondrial dynamin like GTPase; plus strand). Cytogenetic location: 3q29.
Variant type: single nucleotide variant.
Coding change: c.1609-179G>A on transcript NM_130837.3 (MANE Select); 179 bases into the intron before coding-DNA position 1609, G replaced by A.
Molecular consequence: intron variant.
Genome position (GRCh38, 1-based): chr3:193,645,374, G>A. VCF-style: chr3-193645374-G-A. GRCh37 (hg19) VCF-style: chr3-193363163-G-A.
Other names: c.1072-179G>A (NM_001354664.2); c.1075-179G>A (NM_001354663.2); c.1498-179G>A (NM_130834.3); c.1555-179G>A (NM_130836.3); c.1444-179G>A (NM_015560.3); c.1501-179G>A (NM_130835.3); c.1390-179G>A (NM_130832.3); c.1447-179G>A (NM_130833.3); and 1 more.
Identifiers: ClinVar variation 667772 (VCV000667772.1), dbSNP rs2291373, ClinGen allele CA11599184.